The following is an entry in ClinVar:

ClinVar aggregate classification (germline): Uncertain significance. Review status: criteria provided, multiple submitters, no conflicts (2 of 4 stars). 3 submissions from 3 submitters: Uncertain significance (3). Last evaluated 2024-05-02.

Conditions:
Ataxia-telangiectasia syndrome (AT). Also called: LOUIS-BAR SYNDROME; Ataxia telangiectasia (A-T); Ataxia-telangiectasia, complementation group D; Cerebello-oculocutaneous telangiectasia; Immunodeficiency with ataxia telangiectasia; Ataxia-telangiectasia. Identifiers: Orphanet 100, MedGen C0004135, MONDO:0008840, OMIM 208900.
Hereditary cancer-predisposing syndrome. Also called: Tumor predisposition; Hereditary Cancer Syndrome; Neoplastic Syndromes, Hereditary; Hereditary neoplastic syndrome. Identifiers: Orphanet 140162, MedGen C0027672, MeSH D009386, MONDO:0015356.

Allele frequency attached by ClinVar (database versions not stated): gnomAD exomes below 0.00001 and 0.00001; ExAC 0.00001; gnomAD 0.00001.
gnomAD v4.1: 2 of 1,613,482 alleles (0.00012%); highest among the groups gnomAD compares: Non-Finnish European, 0.000085%; no homozygotes.

Submissions (3):

Labcorp Genetics (formerly Invitae), Labcorp
Classification: Uncertain significance for Ataxia-telangiectasia syndrome. Last evaluated: 2024-05-02. Review status: criteria provided, single submitter. Criteria: Invitae Variant Classification Sherloc (09022015). Collection method: clinical testing. Allele origin: germline.
Comment: This sequence change replaces tyrosine, which is neutral and polar, with cysteine, which is neutral and slightly polar, at codon 1148 of the ATM protein (p.Tyr1148Cys). This variant is present in population databases (rs773169285, gnomAD 0.004%). This variant has not been reported in the literature in individuals affected with ATM-related conditions. ClinVar contains an entry for this variant (Variation ID: 863796). Algorithms developed to predict the effect of missense changes on protein structure and function output the following: SIFT: "Not Available"; PolyPhen-2: "Benign"; Align-GVGD: "Not Available". The cysteine amino acid residue is found in multiple mammalian species, which suggests that this missense change does not adversely affect protein function. In summary, the available evidence is currently insufficient to determine the role of this variant in disease. Therefore, it has been classified as a Variant of Uncertain Significance.

Ambry Genetics
Classification: Uncertain significance for Hereditary cancer-predisposing syndrome. Last evaluated: 2023-06-24. Review status: criteria provided, single submitter. Criteria: Ambry Variant Classification Scheme 2023. Collection method: clinical testing. Allele origin: germline.
Comment: The p.Y1148C variant (also known as c.3443A>G), located in coding exon 23 of the ATM gene, results from an A to G substitution at nucleotide position 3443. The tyrosine at codon 1148 is replaced by cysteine, an amino acid with highly dissimilar properties. This amino acid position is not well conserved in available vertebrate species, and cysteine is the reference amino acid in other vertebrate species. In addition, this alteration is predicted to be tolerated by in silico analysis. Since supporting evidence is limited at this time, the clinical significance of this alteration remains unclear.

Color Diagnostics, LLC DBA Color Health
Classification: Uncertain significance for Hereditary cancer-predisposing syndrome. Last evaluated: 2021-02-01. Review status: criteria provided, single submitter. Criteria: ACMG Guidelines, 2015. Collection method: clinical testing. Allele origin: germline.
Comment: This missense variant replaces tyrosine with cysteine at codon 1148 of the ATM protein. Computational prediction suggests that this variant may not impact protein structure and function (internally defined REVEL score threshold <= 0.5, PMID: 27666373). To our knowledge, functional studies have not been reported for this variant. This variant has not been reported in individuals affected with hereditary cancer in the literature. This variant has been identified in 2/251154 chromosomes in the general population by the Genome Aggregation Database (gnomAD). The available evidence is insufficient to determine the role of this variant in disease conclusively. Therefore, this variant is classified as a Variant of Uncertain Significance.

NM_000051.4(ATM):c.3443A>G (p.Tyr1148Cys)

Gene: ATM (ATM serine/threonine kinase; plus strand). Cytogenetic location: 11q22.3.
Variant type: single nucleotide variant.
Coding change: c.3443A>G on transcript NM_000051.4 (MANE Select); coding-DNA position 3443, A replaced by G.
Protein change: p.Tyr1148Cys; replaces tyrosine 1148 with cysteine.
Molecular consequence: missense variant.
Genome position (GRCh38, 1-based): chr11:108,281,035, A>G. VCF-style: chr11-108281035-A-G. GRCh37 (hg19) VCF-style: chr11-108151762-A-G.
Other names: c.3443A>G, p.Tyr1148Cys (NM_001351834.2); short protein forms Y1148C.
Identifiers: ClinVar variation 863796 (VCV000863796.10), dbSNP rs773169285, ClinGen allele CA6265294.
Genomic context (GRCh38, chr11:108,281,035, plus strand): 5'-TTTTTTAATTTCTTTTTAAGTCCCATAGTGCTGAGAACCCTGAAACTTTGGATGAAATTT[A>G]TAATAGAAAATCTGTTTTACTGACGTTGATAGCTGTGGTTTTATCCTGTAGCCCTATCTG-3'
Protein context (NP_000042.3, residues 1138-1158): AENPETLDEI[Tyr1148Cys]NRKSVLLTLI